The following is an entry in ClinVar:

ClinVar aggregate classification (germline): Likely benign (1 of 4 stars; one submission).

Submission:

CeGaT Center for Human Genetics Tuebingen
Classification: Likely benign. Last evaluated: 2023-03-01. Review status: criteria provided, single submitter. Criteria: CeGaT Center For Human Genetics Tuebingen Variant Classification Criteria Version 2. Collection method: clinical testing. Allele origin: germline. Affected: yes. Observed: 1 variant allele.
Comment: PLEC: PM2:Supporting, BP4, BP7

NM_201384.3(PLEC):c.7668G>A (p.Arg2556=)

Gene: PLEC (plectin; minus strand). Cytogenetic location: 8q24.3.
Variant type: single nucleotide variant.
Coding change: c.7668G>A on transcript NM_201384.3 (MANE Select); coding-DNA position 7668, G replaced by A.
Protein change: p.Arg2556=; no amino-acid change (arginine 2556 retained).
Molecular consequence: synonymous variant.
Genome position (GRCh38, 1-based): chr8:143,922,153, C>T on the plus strand (G>A on the coding strand, the complement: PLEC is on the minus strand). VCF-style: chr8-143922153-C-T. GRCh37 (hg19) VCF-style: chr8-144996321-C-T.
Other names: c.7749G>A, p.Arg2583= (NM_000445.5); c.4368G>A, p.Arg1456= (NM_001410941.1); c.7626G>A, p.Arg2542= (NM_201378.4); c.7602G>A, p.Arg2534= (NM_201379.3); c.8079G>A, p.Arg2693= (NM_201380.4); c.7572G>A, p.Arg2524= (NM_201381.3); c.7668G>A, p.Arg2556= (NM_201382.4); c.7680G>A, p.Arg2560= (NM_201383.3).
Identifiers: ClinVar variation 2658946 (VCV002658946.24), dbSNP rs2537557631, ClinGen allele CA463533127.
Genomic context (GRCh38, chr8:143,922,153, plus strand): 5'-CAGCTGCTGCAGCTCCTCCTGCTTGCGCCGCACGCCCTCCTCGGCCTCATGCTGCCGCCG[C>T]CGCGCCTCCTCCATGCTGGCCACCAGCCGCTGCCGTTCCTGCTCCATCTGCTGCTGCTGC-3'
Protein context (NP_958786.1, residues 2546-2566): QRLVASMEEA[Arg2556=]RRQHEAEEGV